The following is an entry in ClinVar:

ClinVar aggregate classification (germline): Likely benign. Review status: criteria provided, multiple submitters, no conflicts (2 of 4 stars). 3 submissions from 3 submitters: Likely benign (2). 1 of the submissions does not count toward it. Last evaluated 2025-12-22.

Conditions:
RASopathy. Also called: rasopathies; Noonan spectrum disorder. Identifiers: Orphanet 536391, MedGen C5555857, MONDO:0021060.
SHOC2-related disorder. Also called: SHOC2-related condition.

Allele frequency attached by ClinVar (database versions not stated): gnomAD 0.00004 and 0.00003; gnomAD exomes 0.00002 and 0.00005; ExAC 0.00003; TOPMed 0.00005.
gnomAD v4.1: 35 of 1,607,476 alleles (0.0022%); highest among the groups gnomAD compares: Admixed American, 0.022%; no homozygotes.

Submissions (3):

Dasa
Classification: Likely benign. Last evaluated: 2025-12-22. Review status: criteria provided, single submitter. Criteria: DASA Assertion Criteria. Collection method: clinical testing. Allele origin: germline.
Comment: NM_007373.4(SHOC2):c.972+8G>C is a splice-region variant. Computational prediction algorithms are consistent with a benign effect. Therefore, based on the currently available evidence, this variant is classified as likely benign.

Labcorp Genetics (formerly Invitae), Labcorp
Classification: Likely benign for RASopathy. Last evaluated: 2025-10-30. Review status: criteria provided, single submitter. Criteria: Invitae Variant Classification Sherloc (09022015). Collection method: clinical testing. Allele origin: germline.

PreventionGenetics, part of Exact Sciences
Classification: Likely benign for SHOC2-related condition. Last evaluated: 2021-07-06. Review status: no assertion criteria provided. Collection method: clinical testing. Allele origin: germline. Not counted in ClinVar's aggregate classification.
Comment: This variant is classified as likely benign based on ACMG/AMP sequence variant interpretation guidelines (Richards et al. 2015 PMID: 25741868, with internal and published modifications).

NM_007373.4(SHOC2):c.972+8G>C

Gene: SHOC2 (SHOC2 leucine rich repeat scaffold protein; plus strand). Cytogenetic location: 10q25.2.
Variant type: single nucleotide variant.
Coding change: c.972+8G>C on transcript NM_007373.4 (MANE Select); 8 bases into the intron after coding-DNA position 972, G replaced by C.
Molecular consequence: intron variant.
Genome position (GRCh38, 1-based): chr10:111,000,553, G>C. VCF-style: chr10-111000553-G-C. GRCh37 (hg19) VCF-style: chr10-112760311-G-C.
Other names: c.972+8G>C (NM_001324336.2, NM_001324337.2, NM_007373.3); c.834+8G>C (NM_001269039.3).
Identifiers: ClinVar variation 1457448 (VCV001457448.12), dbSNP rs748386843, ClinGen allele CA5689687.